The following is an entry in ClinVar:

ClinVar aggregate classification (germline): Uncertain significance (1 of 4 stars; one submission).

Conditions:
Intellectual developmental disorder, X-linked, syndromic, Claes-Jensen type. Also called: Syndromic X-linked intellectual disability Claes-Jensen type; INTELLECTUAL DEVELOPMENTAL DISORDER, X-LINKED, SYNDROMIC 16; MENTAL RETARDATION, X-LINKED, SYNDROMIC 16. Identifiers: Orphanet 85279, MedGen C1845243, MONDO:0010355, OMIM 300534.

Submission:

Juno Genomics, Hangzhou Juno Genomics, Inc
Classification: Uncertain significance for Intellectual developmental disorder, X-linked, syndromic, Claes-Jensen type. Review status: criteria provided, single submitter. Criteria: ACMG Guidelines, 2015. Collection method: clinical testing. Allele origin: germline.
Comment: Absent from controls (or at extremely low frequency if recessive) in Genome Aggregation Database.;Multiple lines of computational evidence support a deleterious effect on the gene or gene product.

NM_004187.5(KDM5C):c.2368+5G>A

Gene: KDM5C (lysine demethylase 5C; minus strand). Cytogenetic location: Xp11.22.
Variant type: single nucleotide variant.
Coding change: c.2368+5G>A on transcript NM_004187.5 (MANE Select); 5 bases into the intron after coding-DNA position 2368, G replaced by A.
Molecular consequence: intron variant.
Genome position (GRCh38, 1-based): chrX:53,198,759, C>T on the plus strand (G>A on the coding strand, the complement: KDM5C is on the minus strand). VCF-style: chrX-53198759-C-T. GRCh37 (hg19) VCF-style: chrX-53227941-C-T.
Other names: c.2365+5G>A (NM_001353982.2, NM_001353979.2, NM_001282622.3); c.2368+5G>A (NM_001353981.2, NM_001353984.2, NM_001353978.3); c.2167+5G>A (NM_001146702.2).
Identifiers: ClinVar variation 5007577 (VCV005007577.2).